The following is an entry in ClinVar:

NM_005219.5(DIAPH1):c.762C>A (p.Asn254Lys)

Gene: DIAPH1 (diaphanous related formin 1; minus strand). Cytogenetic location: 5q31.3.
Variant type: single nucleotide variant.
Coding change: c.762C>A on transcript NM_005219.5 (MANE Select); coding-DNA position 762, C replaced by A.
Protein change: p.Asn254Lys; replaces asparagine 254 with lysine.
Molecular consequence: missense variant.
Genome position (GRCh38, 1-based): chr5:141,580,806, G>T on the plus strand (C>A on the coding strand, the complement: DIAPH1 is on the minus strand). VCF-style: chr5-141580806-G-T. GRCh37 (hg19) VCF-style: chr5-140960373-G-T.
Other names: c.735C>A, p.Asn245Lys (NM_001079812.3); c.762C>A, p.Asn254Lys (NM_001314007.2); short protein forms N245K, N254K.
Identifiers: ClinVar variation 1311965 (VCV001311965.4), dbSNP rs2154596504, ClinGen allele CA361536729.

ClinVar aggregate classification (germline): Uncertain significance (1 of 4 stars; one submission).

Submission:

GeneDx
Classification: Uncertain significance. Last evaluated: 2026-10-06. Review status: criteria provided, single submitter. Criteria: GeneDx Variant Classification Process June 2021. Collection method: clinical testing. Allele origin: germline.
Comment: Not observed at significant frequency in large population cohorts (gnomAD); In silico analysis supports that this missense variant has a deleterious effect on protein structure/function; Has not been previously published as pathogenic or benign to our knowledge